The following is an entry in ClinVar:

ClinVar aggregate classification (germline): Pathogenic (1 of 4 stars; one submission).

Conditions:
Developmental delay, impaired speech, and behavioral abnormalities. Identifiers: MedGen C5561957, MONDO:0859178, OMIM 619475.

Submission:

Women's Health and Genetics/Laboratory Corporation of America, LabCorp
Classification: Pathogenic for Developmental delay, impaired speech, and behavioral abnormalities. Last evaluated: 2024-09-18. Review status: criteria provided, single submitter. Criteria: LabCorp Variant Classification Summary - May 2015. Collection method: clinical testing. Allele origin: germline.
Comment: Variant summary: SPTBN1 c.1828C>T (p.Arg610X) results in a premature termination codon, predicted to cause a truncation of the encoded protein or absence of the protein due to nonsense mediated decay, which are commonly known mechanisms for disease. The variant was absent in 247574 control chromosomes. To our knowledge, no occurrence of c.1828C>T in individuals affected with Developmental Delay, Impaired Speech, And Behavioral Abnormalities and no experimental evidence demonstrating its impact on protein function have been reported. No submitters have cited clinical-significance assessments for this variant to ClinVar. Based on the evidence outlined above, the variant was classified as pathogenic.

NM_003128.3(SPTBN1):c.1828C>T (p.Arg610Ter)

Gene: SPTBN1 (spectrin beta, non-erythrocytic 1; plus strand). Cytogenetic location: 2p16.2.
Variant type: single nucleotide variant.
Coding change: c.1828C>T on transcript NM_003128.3 (MANE Select); coding-DNA position 1828, C replaced by T.
Protein change: p.Arg610Ter; replaces arginine 610 with a stop codon.
Molecular consequence: nonsense.
Genome position (GRCh38, 1-based): chr2:54,628,962, C>T. VCF-style: chr2-54628962-C-T. GRCh37 (hg19) VCF-style: chr2-54856099-C-T.
Other names: c.1789C>T, p.Arg597Ter (NM_178313.3); short protein forms R597*, R610*.
Identifiers: ClinVar variation 3375416 (VCV003375416.1).